The following is an entry in ClinVar:

ClinVar aggregate classification (germline): Uncertain significance (1 of 4 stars; one submission).

Allele frequency attached by ClinVar (database versions not stated): gnomAD exomes below 0.00001.
gnomAD v4.1: 2 of 1,610,950 alleles (0.00012%); highest among the groups gnomAD compares: Non-Finnish European, 0.00017%; no homozygotes.

Submission:

Labcorp Genetics (formerly Invitae), Labcorp
Classification: Uncertain significance. Last evaluated: 2018-02-09. Review status: criteria provided, single submitter. Criteria: Invitae Variant Classification Sherloc (09022015). Collection method: clinical testing. Allele origin: germline.
Comment: This sequence change replaces valine with glycine at codon 266 of the CPOX protein (p.Val266Gly). The valine residue is moderately conserved and there is a moderate physicochemical difference between valine and glycine. This variant is not present in population databases (ExAC no frequency). In summary, the available evidence is currently insufficient to determine the role of this variant in disease. Therefore, it has been classified as a Variant of Uncertain Significance. Algorithms developed to predict the effect of missense changes on protein structure and function do not agree on the potential impact of this missense change (SIFT: "Deleterious"; PolyPhen-2: "Possibly Damaging"; Align-GVGD: "Class C0"). This variant has not been reported in the literature in individuals with CPOX-related disease.

NM_000097.7(CPOX):c.797T>G (p.Val266Gly)

Gene: CPOX (coproporphyrinogen oxidase; minus strand). Cytogenetic location: 3q11.2.
Variant type: single nucleotide variant.
Coding change: c.797T>G on transcript NM_000097.7 (MANE Select); coding-DNA position 797, T replaced by G.
Protein change: p.Val266Gly; replaces valine 266 with glycine.
Molecular consequence: missense variant.
Genome position (GRCh38, 1-based): chr3:98,590,646, A>C on the plus strand (T>G on the coding strand, the complement: CPOX is on the minus strand). VCF-style: chr3-98590646-A-C. GRCh37 (hg19) VCF-style: chr3-98309490-A-C.
Other names: short protein forms V266G.
Identifiers: ClinVar variation 1016515 (VCV001016515.5), dbSNP rs1707461124, ClinGen allele CA353645661.
Genomic context (GRCh38, chr3:98,590,646, plus strand): 5'-GCACATTTTGCACGACAGTACTTTCCGTAGCTCCTGAGACCCTTACCATCAGCTTCTTCT[A>C]CTTCAAAGTATCTGTAGTTGAAATGGATAGTAGGAGCATGAGGATTCTTGGGGTGGATAA-3'
Protein context (NP_000088.3, residues 256-276): TIHFNYRYFE[Val266Gly]EEADGNKQWW